The following is an entry in ClinVar:

NM_000553.6(WRN):c.356-3_356-2del

Gene: WRN (WRN RecQ like helicase; plus strand). Cytogenetic location: 8p12.
Variant type: Deletion.
Coding change: c.356-3_356-2del on transcript NM_000553.6 (MANE Select); 3 bases into the intron before coding-DNA position 356 through the canonical splice acceptor site of the intron before coding-DNA position 356, 2 bases deleted (CA; older notation c.356-3_356-2delCA).
Molecular consequence: splice acceptor variant.
Genome position (GRCh38, 1-based): chr8:31,064,912-31,064,913, CA deleted; deleting any 2 consecutive bases within chr8:31,064,911-31,064,913 gives the same sequence; the c. name uses the placement nearest the transcript's 3' end. VCF-style (leftmost placement, unchanged base first): chr8-31064910-TAC-T. GRCh37 (hg19) VCF-style: chr8-30922426-TAC-T.
Identifiers: ClinVar variation 1024797 (VCV001024797.3), dbSNP rs1812634282, ClinGen allele CA2497474536.
Genomic context (GRCh38, chr8:31,064,910, plus strand): 5'-AAGAAGTAGGACATAAATCCATCATACTTGACAGAACTTATGGAAATAACAAGAAAATGT[TAC>T]AGTTTTTCCCCAGGGATTAAAAATGTTGCTTGAAAATAAAGCAGTTAAAAAGGCAGGTGT-3'

ClinVar aggregate classification (germline): Uncertain significance (1 of 4 stars; one submission).

Conditions:
Werner syndrome (WRN). Identifiers: Orphanet 902, MedGen C0043119, MONDO:0010196, OMIM 277700.

Submission:

Labcorp Genetics (formerly Invitae), Labcorp
Classification: Uncertain significance for Werner syndrome. Last evaluated: 2025-02-27. Review status: criteria provided, single submitter. Criteria: Invitae Variant Classification Sherloc (09022015). Collection method: clinical testing. Allele origin: germline.
Comment: This sequence change falls in intron 4 of the WRN gene. It does not directly change the encoded amino acid sequence of the WRN protein. It affects a nucleotide within the consensus splice site. This variant is not present in population databases (gnomAD no frequency). This variant has not been reported in the literature in individuals affected with WRN-related conditions. ClinVar contains an entry for this variant (Variation ID: 1024797). Variants that disrupt the consensus splice site are a relatively common cause of aberrant splicing (PMID: 17576681, 9536098). Algorithms developed to predict the effect of sequence changes on RNA splicing suggest that this variant may disrupt the consensus splice site. In summary, the available evidence is currently insufficient to determine the role of this variant in disease. Therefore, it has been classified as a Variant of Uncertain Significance.

Literature cited by the submitters: PubMed 17576681; PubMed 9536098.